The following is an entry in ClinVar:

ClinVar aggregate classification (germline): Pathogenic. Review status: criteria provided, single submitter (1 of 4 stars). 2 submissions from 1 submitter: Pathogenic (2). Last evaluated 2019-12-02.

Conditions:
Pulmonary hypertension, primary, 1 (PPH1). Also called: Pulmonary hypertension, familial primary, 1, with or without HHT. Identifiers: Orphanet 422, MedGen C4552070, MONDO:0024533, OMIM 178600.
Primary pulmonary hypertension. Also called: Idiopathic pulmonary hypertension. Identifiers: MedGen C0152171.

Submissions (2):

Labcorp Genetics (formerly Invitae), Labcorp
Classification: Pathogenic for Idiopathic Pulmonary Hypertension. Last evaluated: 2019-12-02. Review status: criteria provided, single submitter. Criteria: Invitae Variant Classification Sherloc (09022015). Collection method: clinical testing. Allele origin: germline.
Comment: This variant is an out-of-frame deletion of the genomic region encompassing exon 5 of the BMPR2 gene. This is expected to create a premature translational stop signal and result in an absent or disrupted protein product. A similar deletion of exon 5 has been reported in an individual referred for genetic testing for pulmonary arterial hypertension (PMID: 26387786). Loss-of-function variants in BMPR2 are known to be pathogenic (PMID: 16429395). For these reasons, this variant has been classified as Pathogenic.

Labcorp Genetics (formerly Invitae), Labcorp
Classification: Pathogenic for Primary pulmonary hypertension. Last evaluated: 2019-11-25. Review status: criteria provided, single submitter. Criteria: Invitae Variant Classification Sherloc (09022015). Collection method: clinical testing. Allele origin: germline.
Comment: For these reasons, this variant has been classified as Pathogenic. Loss-of-function variants in BMPR2 are known to be pathogenic (PMID: 16429395). A similar deletion of exon 5 has been reported in an individual referred for genetic testing for pulmonary arterial hypertension (PMID: 26387786). This variant is an out-of-frame deletion of the genomic region encompassing exon 5 of the BMPR2 gene. This is expected to create a premature translational stop signal and result in an absent or disrupted protein product.

Literature cited by the submitters: PubMed 26387786; PubMed 16429395.

NC_000002.12:g.(?_202514864)_(202514989_?)del

Gene: BMPR2 (bone morphogenetic protein receptor type 2; plus strand). Cytogenetic location: 2q33.2.
Variant type: Deletion.
Identifiers: ClinVar variation 833519 (VCV000833519.4).